The following is an entry in ClinVar:

ClinVar aggregate classification (germline): Uncertain significance (1 of 4 stars; one submission).

Conditions:
Hereditary cancer-predisposing syndrome. Also called: Hereditary Cancer Syndrome; Hereditary neoplastic syndrome; Neoplastic Syndromes, Hereditary; Tumor predisposition. Identifiers: Orphanet 140162, MedGen C0027672, MeSH D009386, MONDO:0015356.

Allele frequency attached by ClinVar (database versions not stated): gnomAD exomes below 0.00001.
gnomAD v4.1: 1 of 1,613,424 alleles (0.000062%); highest among the groups gnomAD compares: Non-Finnish European, 0.000085%; no homozygotes.

Submission:

Ambry Genetics
Classification: Uncertain significance for Hereditary cancer-predisposing syndrome. Last evaluated: 2021-03-25. Review status: criteria provided, single submitter. Criteria: Ambry Variant Classification Scheme 2023. Collection method: clinical testing. Allele origin: germline.
Comment: The p.V436A variant (also known as c.1307T>C), located in coding exon 9 of the FH gene, results from a T to C substitution at nucleotide position 1307. The valine at codon 436 is replaced by alanine, an amino acid with similar properties. This amino acid position is well conserved in available vertebrate species. In addition, the in silico prediction for this alteration is inconclusive. Since supporting evidence is limited at this time, the clinical significance of this alteration remains unclear.

NM_000143.4(FH):c.1307T>C (p.Val436Ala)

Gene: FH (fumarate hydratase; minus strand). Cytogenetic location: 1q43.
Variant type: single nucleotide variant.
Coding change: c.1307T>C on transcript NM_000143.4 (MANE Select); coding-DNA position 1307, T replaced by C.
Protein change: p.Val436Ala; replaces valine 436 with alanine.
Molecular consequence: missense variant.
Genome position (GRCh38, 1-based): chr1:241,500,520, A>G on the plus strand (T>C on the coding strand, the complement: FH is on the minus strand). VCF-style: chr1-241500520-A-G. GRCh37 (hg19) VCF-style: chr1-241663820-A-G.
Other names: short protein forms V436A.
Identifiers: ClinVar variation 1769552 (VCV001769552.2), dbSNP rs2147913198, ClinGen allele CA345436659.